The following is an entry in ClinVar:

NM_003476.5(CSRP3):c.434T>G (p.Phe145Cys)

Gene: CSRP3 (cysteine and glycine rich protein 3; minus strand). Cytogenetic location: 11p15.1.
Variant type: single nucleotide variant.
Coding change: c.434T>G on transcript NM_003476.5 (MANE Select); coding-DNA position 434, T replaced by G.
Protein change: p.Phe145Cys; replaces phenylalanine 145 with cysteine.
Molecular consequence: missense variant.
Genome position (GRCh38, 1-based): chr11:19,185,026, A>C on the plus strand (T>G on the coding strand, the complement: CSRP3 is on the minus strand). VCF-style: chr11-19185026-A-C. GRCh37 (hg19) VCF-style: chr11-19206573-A-C.
Other names: c.265T>G, p.Ser89Ala (NM_001369404.1); short protein forms F145C, S89A.
Identifiers: ClinVar variation 974927 (VCV000974927.1), dbSNP rs759269008, ClinGen allele CA5916541.

ClinVar aggregate classification (germline): Likely pathogenic (1 of 4 stars; one submission).

Conditions:
Hypertrophic cardiomyopathy. Also called: HYPERTROPHIC MYOCARDIOPATHY. Identifiers: Orphanet 217569, MedGen C0007194, MeSH D002312, MONDO:0005045, HP:0001639.

Allele frequency attached by ClinVar (database versions not stated): gnomAD exomes below 0.00001 and 0.00001; ExAC 0.00001; TOPMed 0.00001.
gnomAD v4.1: 2 of 1,614,196 alleles (0.00012%); highest among the groups gnomAD compares: Admixed American, 0.0033%; no homozygotes.

Submission:

Health in Code S.L.
Classification: Likely pathogenic for Hypertrophic cardiomyopathy. Last evaluated: 2020-07-21. Review status: criteria provided, single submitter. Criteria: ACMG Guidelines, 2015. Collection method: clinical testing. Allele origin: germline. Inheritance: Autosomal dominant inheritance. Affected: yes. Observed: 28 variant alleles, 27 heterozygotes, 1 homozygote.
Comment: This variant is present in population databases with an extremely low frequency (gnomAD MAF<0.001%). It has been been reported in individuals affected with HCM (PMID: 23396983, 25351510) and ClinVar contains conflicting interpretations about its pathogenicity (4 VUS, 1 likely pathogenic). Our group has identified this variant in 11 unrelated probands of the 6,456 HCM cohort tested in our laboratory. We did not identified it in patients with other cardiomyopathies (0/5,012 p<0.0001) or in our control population (0/3,372 p<0.0001). None of the patients with this variant had other genetic variants explaining the development of HCM. Ten of the index cases were heterozygous and one was homozygous. Homozygous had a more severe phenotype. Familial cosegregation with the disease was proven in some of these small families. Moreover, bioinformatic tools (SIFT, PolyPhen-2, MutationTaster) suggest a deleterious effect. Considering the aforementioned information, we consider that this variant is likely pathogenic.